The following is an entry in ClinVar:

ClinVar aggregate classification (germline): Conflicting classifications of pathogenicity. Review status: criteria provided, conflicting classifications (1 of 4 stars). 8 submissions from 7 submitters: Uncertain significance (6); Likely benign (2). Last evaluated 2026-05-05.

Conditions:
NF1-related disorder. Also called: NF1-related condition. Identifiers: MedGen CN379171.
Cardiovascular phenotype. Identifiers: MedGen CN230736.
Hereditary cancer-predisposing syndrome. Also called: Tumor predisposition; Neoplastic Syndromes, Hereditary; Hereditary neoplastic syndrome; Hereditary Cancer Syndrome. Identifiers: Orphanet 140162, MedGen C0027672, MeSH D009386, MONDO:0015356.
Neurofibromatosis, type 1 (NF1). Also called: NEUROFIBROMATOSIS, TYPE I, SOMATIC; VON RECKLINGHAUSEN DISEASE; Peripheral type neurofibromatosis; Neurofibromatosis, type I. Identifiers: Orphanet 636, MedGen C0027831, MONDO:0018975, OMIM 162200. Disease mechanism: loss of function.
Neurofibromatosis-Noonan syndrome (NFNS). Also called: NEUROFIBROMATOSIS WITH NOONAN PHENOTYPE. Identifiers: Orphanet 638, MedGen C2931482, MONDO:0011035, OMIM 601321. Disease mechanism: loss of function.
Café-au-lait macules with pulmonary stenosis (WTSN). Also called: PULMONIC STENOSIS WITH CAFE-AU-LAIT SPOTS. Identifiers: MedGen C0553586, MONDO:0008672, OMIM 193520.
Neurofibromatosis, familial spinal (FSNF). Identifiers: Orphanet 636, MedGen C1834235, MONDO:0008078, OMIM 162210. Disease mechanism: loss of function.
Juvenile myelomonocytic leukemia (JMML). Also called: LEUKEMIA, JUVENILE MYELOMONOCYTIC, SOMATIC. Identifiers: Orphanet 86834, MedGen C0349639, MONDO:0011908, OMIM 607785, HP:0012209.

Allele frequency attached by ClinVar (database versions not stated): gnomAD exomes 0.00002; TOPMed 0.00003; gnomAD 0.00004; ESP Exome Variant Server 0.00008.
gnomAD v4.1: 103 of 1,608,178 alleles (0.0064%); highest among the groups gnomAD compares: Non-Finnish European, 0.0084%; no homozygotes.

Submissions (8):

PreventionGenetics, part of Exact Sciences
Classification: Uncertain significance for NF1-related condition. Last evaluated: 2026-05-05. Review status: criteria provided, single submitter. Criteria: ACMG Guidelines, 2015. Collection method: clinical testing. Allele origin: germline.
Comment: The NF1 c.231A>T variant is predicted to result in the amino acid substitution p.Lys77Asn. This variant has been reported in an individual from a cohort that met relaxed International Cowden Consortium (ICC) diagnostic criteria (Yehia et al. 2018. PubMed ID: 29684080). This variant is reported in 0.0047% of alleles in individuals of European (Non-Finnish) descent in gnomAD and has conflicting interpretations in ClinVar ranging from likely benign to uncertain (Variation ID: 141116). Although we suspect that this variant may be benign, at this time, the clinical significance of this variant is uncertain due to the absence of conclusive functional and genetic evidence.

Labcorp Genetics (formerly Invitae), Labcorp
Classification: Likely benign for Neurofibromatosis, type 1. Last evaluated: 2026-01-26. Review status: criteria provided, single submitter. Criteria: Invitae Variant Classification Sherloc (09022015). Collection method: clinical testing. Allele origin: germline.

GeneDx
Classification: Uncertain significance. Last evaluated: 2025-10-18. Review status: criteria provided, single submitter. Criteria: GeneDx Variant Classification Process June 2021. Collection method: clinical testing. Allele origin: germline. Affected: yes.
Comment: In silico analysis supports that this missense variant has a deleterious effect on protein structure/function; Has not been previously published as pathogenic or benign to our knowledge

Quest Diagnostics Nichols Institute San Juan Capistrano
Classification: Uncertain significance. Last evaluated: 2024-05-14. Review status: criteria provided, single submitter. Criteria: Quest Diagnostics criteria. Collection method: clinical testing. Allele origin: unknown.

Fulgent Genetics
Classification: Uncertain significance for Neurofibromatosis, type 1; Neurofibromatosis, familial spinal; Café-au-lait macules with pulmonary stenosis; Neurofibromatosis-Noonan syndrome; Juvenile myelomonocytic leukemia. Last evaluated: 2022-03-17. Review status: criteria provided, single submitter. Criteria: ACMG Guidelines, 2015. Collection method: clinical testing. Allele origin: unknown.

Genome-Nilou Lab
Classification: Uncertain significance for Neurofibromatosis, type 1. Last evaluated: 2022-03-15. Review status: criteria provided, single submitter. Criteria: ACMG Guidelines, 2015. Collection method: clinical testing. Allele origin: germline. Affected: no.

Ambry Genetics
Classification: Likely benign for Cardiovascular phenotype; Hereditary cancer-predisposing syndrome. Last evaluated: 2021-05-28. Review status: criteria provided, single submitter. Criteria: Ambry Variant Classification Scheme 2023. Collection method: clinical testing. Allele origin: germline.

Ambry Genetics
Classification: Uncertain significance for Hereditary cancer-predisposing syndrome. Last evaluated: 2015-06-09. Review status: criteria provided, single submitter. Criteria: Ambry Autosomal Dominant and X-Linked criteria (10/2015). Collection method: clinical testing. Allele origin: germline. Observed: 1 variant allele.
Comment: The p.K77N variant (also known as c.231A>T), located in coding exon 3 of the NF1 gene, results from an A to T substitution at nucleotide position 231. The lysine at codon 77 is replaced by asparagine, an amino acid with similar properties. This variant was previously reported in the SNPDatabase as rs373563053. Based on data from the NHLBI Exome Sequencing Project (ESP), the T allele has an overall frequency of approximately 0.01% (1/13002) total alleles studied, having been observed in0.01% (1/8598) European American alleles. This variant was not reported in the 1000 Genomes Project population-based cohort.To date, this alteration has been detected with an allele frequency of approximately 0.01% (greater than 55000 alleles tested) in our clinical cohort.This amino acid position is highly conserved in available vertebrate species. In addition, this alteration is predicted to be tolerated by in silico analysis.Since supporting evidence is limited at this time, the clinical significance of p.K77Nremains unclear.

Literature cited by the submitters: PubMed 30404791 (cited by Quest Diagnostics Nichols Institute San Juan Capistrano); PubMed 33471991 (cited by Quest Diagnostics Nichols Institute San Juan Capistrano); PubMed 29684080 (cited by Quest Diagnostics Nichols Institute San Juan Capistrano).

NM_001042492.3(NF1):c.231A>T (p.Lys77Asn)

Gene: NF1 (neurofibromin 1; plus strand). Cytogenetic location: 17q11.2.
Variant type: single nucleotide variant.
Coding change: c.231A>T on transcript NM_001042492.3 (MANE Select); coding-DNA position 231, A replaced by T.
Protein change: p.Lys77Asn; replaces lysine 77 with asparagine.
Molecular consequence: missense variant.
Genome position (GRCh38, 1-based): chr17:31,159,036, A>T. VCF-style: chr17-31159036-A-T. GRCh37 (hg19) VCF-style: chr17-29486054-A-T.
Other names: c.231A>T, p.Lys77Asn (NM_000267.4, NM_001128147.3); short protein forms K77N.
Identifiers: ClinVar variation 141116 (VCV000141116.21), dbSNP rs373563053, ClinGen allele CA164511.